The following is an entry in ClinVar:

ClinVar aggregate classification (germline): Likely pathogenic (1 of 4 stars; one submission).

gnomAD v4.1: 1 of 1,588,270 alleles (0.000063%); highest among the groups gnomAD compares: Non-Finnish European, 0.000086%; no homozygotes.

Submission:

GeneDx
Classification: Likely pathogenic. Last evaluated: 2024-03-07. Review status: criteria provided, single submitter. Criteria: GeneDx Variant Classification Process June 2021. Collection method: clinical testing. Allele origin: germline. Affected: yes.
Comment: Has not been previously published as pathogenic or benign to our knowledge; Not observed at significant frequency in large population cohorts (gnomAD); In silico analysis supports that this missense variant has a deleterious effect on protein structure/function

NM_003542.4(H4C3):c.305G>A (p.Gly102Asp)

Gene: H4C3 (H4 clustered histone 3; plus strand). Cytogenetic location: 6p22.2.
Variant type: single nucleotide variant.
Coding change: c.305G>A on transcript NM_003542.4 (MANE Select); coding-DNA position 305, G replaced by A.
Protein change: p.Gly102Asp; replaces glycine 102 with aspartic acid.
Molecular consequence: missense variant.
Genome position (GRCh38, 1-based): chr6:26,104,252, G>A. VCF-style: chr6-26104252-G-A. GRCh37 (hg19) VCF-style: chr6-26104480-G-A.
Other names: short protein forms G102D.
Identifiers: ClinVar variation 2443379 (VCV002443379.2), dbSNP rs1178343929, ClinGen allele CA363181980.